The following is an entry in ClinVar:

NM_001386795.1(DTNA):c.998T>G (p.Ile333Ser)

Gene: DTNA (dystrobrevin alpha; plus strand). Cytogenetic location: 18q12.1.
Variant type: single nucleotide variant.
Coding change: c.998T>G on transcript NM_001386795.1 (MANE Select); coding-DNA position 998, T replaced by G.
Protein change: p.Ile333Ser; replaces isoleucine 333 with serine.
Molecular consequence: missense variant. On other transcripts: intron variant (1).
Genome position (GRCh38, 1-based): chr18:34,820,912, T>G. VCF-style: chr18-34820912-T-G. GRCh37 (hg19) VCF-style: chr18-32400876-T-G.
Other names: c.998T>G, p.Ile333Ser (NM_001386760.1, NM_001386761.1, NM_001386762.1 and 34 more transcripts); c.44T>G, p.Ile15Ser (NM_032980.4, NM_032981.5, NM_001198942.1 and 1 more transcripts); c.603+8799T>G (NM_001198945.2); c.248T>G, p.Ile83Ser (NM_001198943.1); short protein forms I15S, I83S, I333S.
Identifiers: ClinVar variation 2844344 (VCV002844344.3), dbSNP rs2518190069, ClinGen allele CA402169358.

ClinVar aggregate classification (germline): Uncertain significance (1 of 4 stars; one submission).

Conditions:
Left ventricular noncompaction 1 (LVNC1). Also called: LEFT VENTRICULAR NONCOMPACTION 1 WITH OR WITHOUT CONGENITAL HEART DEFECTS. Identifiers: Orphanet 54260, MedGen C1858725, MONDO:0011403, OMIM 604169.

Submission:

Labcorp Genetics (formerly Invitae), Labcorp
Classification: Uncertain significance for Left ventricular noncompaction 1. Last evaluated: 2023-03-09. Review status: criteria provided, single submitter. Criteria: Invitae Variant Classification Sherloc (09022015). Collection method: clinical testing. Allele origin: germline.
Comment: This variant has not been reported in the literature in individuals affected with DTNA-related conditions. This sequence change replaces isoleucine, which is neutral and non-polar, with serine, which is neutral and polar, at codon 333 of the DTNA protein (p.Ile333Ser). This variant is not present in population databases (gnomAD no frequency). Advanced modeling of protein sequence and biophysical properties (such as structural, functional, and spatial information, amino acid conservation, physicochemical variation, residue mobility, and thermodynamic stability) performed at Invitae indicates that this missense variant is not expected to disrupt DTNA protein function. In summary, the available evidence is currently insufficient to determine the role of this variant in disease. Therefore, it has been classified as a Variant of Uncertain Significance.